The following is an entry in ClinVar:

ClinVar aggregate classification (germline): Uncertain significance (1 of 4 stars; one submission).

Conditions:
Hereditary cancer-predisposing syndrome. Also called: Tumor predisposition; Hereditary neoplastic syndrome; Neoplastic Syndromes, Hereditary; Hereditary Cancer Syndrome. Identifiers: Orphanet 140162, MedGen C0027672, MeSH D009386, MONDO:0015356.

Submission:

Ambry Genetics
Classification: Uncertain significance for Hereditary cancer-predisposing syndrome. Last evaluated: 2025-06-01. Review status: criteria provided, single submitter. Criteria: Ambry Variant Classification Scheme 2023. Collection method: clinical testing. Allele origin: germline.
Comment: The p.D954V variant (also known as c.2861A>T), located in coding exon 24 of the EGFR gene, results from an A to T substitution at nucleotide position 2861. The aspartic acid at codon 954 is replaced by valine, an amino acid with highly dissimilar properties. This amino acid position is conserved. In addition, this alteration is predicted to be deleterious by in silico analysis. Based on the available evidence, the clinical significance of this variant remains unclear.

NM_005228.5(EGFR):c.2861A>T (p.Asp954Val)

Gene: EGFR (epidermal growth factor receptor; plus strand). Cytogenetic location: 7p11.2.
Variant type: single nucleotide variant.
Coding change: c.2861A>T on transcript NM_005228.5 (MANE Select); coding-DNA position 2861, A replaced by T.
Protein change: p.Asp954Val; replaces aspartic acid 954 with valine.
Molecular consequence: missense variant.
Genome position (GRCh38, 1-based): chr7:55,200,328, A>T. VCF-style: chr7-55200328-A-T. GRCh37 (hg19) VCF-style: chr7-55268021-A-T.
Other names: c.2726A>T, p.Asp909Val (NM_001346897.2, NM_001346899.2); c.2861A>T, p.Asp954Val (NM_001346898.2); c.2702A>T, p.Asp901Val (NM_001346900.2); c.2060A>T, p.Asp687Val (NM_001346941.2); short protein forms D901V, D687V, D909V, D954V.
Identifiers: ClinVar variation 4016801 (VCV004016801.1).